The following is an entry in ClinVar:

ClinVar aggregate classification (germline): Uncertain significance (1 of 4 stars; one submission).

Conditions:
Autosomal recessive limb-girdle muscular dystrophy type 2L (LGMDR12). Also called: MUSCULAR DYSTROPHY, LIMB-GIRDLE, AUTOSOMAL RECESSIVE 12; Limb-Girdle Muscular Dystrophy R12 Anoctamin-5-Related (LGMD-R12); Limb-girdle muscular dystrophy, type 2L. Identifiers: Orphanet 206549, MedGen C1969785, MONDO:0012652, OMIM 611307.
Gnathodiaphyseal dysplasia (GDD). Also called: GNATHODIAPHYSEAL SCLEROSIS; OSTEOGENESIS IMPERFECTA WITH UNUSUAL SKELETAL LESIONS. Identifiers: Orphanet 53697, MedGen C1833736, MONDO:0008151, OMIM 166260.

Submission:

Labcorp Genetics (formerly Invitae), Labcorp
Classification: Uncertain significance for Autosomal recessive limb-girdle muscular dystrophy type 2L; Gnathodiaphyseal dysplasia. Last evaluated: 2026-01-09. Review status: criteria provided, single submitter. Criteria: Invitae Variant Classification Sherloc (09022015). Collection method: clinical testing. Allele origin: germline.
Comment: This sequence change replaces proline, which is neutral and non-polar, with histidine, which is basic and polar, at codon 47 of the ANO5 protein (p.Pro47His). This variant is present in population databases (rs750235317, gnomAD 0.004%). This variant has not been reported in the literature in individuals affected with ANO5-related conditions. ClinVar contains an entry for this variant (Variation ID: 3762719). Invitae Evidence Modeling of protein sequence and biophysical properties (such as structural, functional, and spatial information, amino acid conservation, physicochemical variation, residue mobility, and thermodynamic stability) has been performed for this missense variant. However, the output from this modeling did not meet the statistical confidence thresholds required to predict the impact of this variant on ANO5 protein function. In summary, the available evidence is currently insufficient to determine the role of this variant in disease. Therefore, it has been classified as a Variant of Uncertain Significance.

NM_213599.3(ANO5):c.140C>A (p.Pro47His)

Gene: ANO5 (anoctamin 5; plus strand). Cytogenetic location: 11p14.3.
Variant type: single nucleotide variant.
Coding change: c.140C>A on transcript NM_213599.3 (MANE Select); coding-DNA position 140, C replaced by A.
Protein change: p.Pro47His; replaces proline 47 with histidine.
Molecular consequence: missense variant. On other transcripts: intron variant (2).
Genome position (GRCh38, 1-based): chr11:22,218,247, C>A. VCF-style: chr11-22218247-C-A. GRCh37 (hg19) VCF-style: chr11-22239793-C-A.
Other names: c.137C>A, p.Pro46His (NM_001142649.2); c.139-2850C>A (NM_001410963.1); c.136-2850C>A (NM_001410964.1); short protein forms P46H, P47H.
Identifiers: ClinVar variation 3762719 (VCV003762719.2).